The following is an entry in ClinVar:

ClinVar aggregate classification (germline): Uncertain significance. Review status: criteria provided, multiple submitters, no conflicts (2 of 4 stars). 2 submissions from 2 submitters: Uncertain significance (2). Last evaluated 2025-08-09.

Conditions:
Inborn genetic diseases. Identifiers: MedGen C0950123, MeSH D030342.
Treacher Collins syndrome 1 (TCS1). Also called: TCOF1-Related Treacher Collins Syndrome. Identifiers: Orphanet 861, MedGen CN315775, MONDO:0007944, OMIM 154500.

Allele frequency attached by ClinVar (database versions not stated): gnomAD 0.00001.
gnomAD v4.1: 4 of 1,593,424 alleles (0.00025%); highest among the groups gnomAD compares: African/African-American, 0.0013%; no homozygotes.

Submissions (2):

Labcorp Genetics (formerly Invitae), Labcorp
Classification: Uncertain significance for Treacher Collins syndrome 1. Last evaluated: 2025-08-09. Review status: criteria provided, single submitter. Criteria: Invitae Variant Classification Sherloc (09022015). Collection method: clinical testing. Allele origin: germline.
Comment: This sequence change replaces glycine, which is neutral and non-polar, with tryptophan, which is neutral and slightly polar, at codon 1373 of the TCOF1 protein (p.Gly1373Trp). This variant is not present in population databases (gnomAD no frequency). This variant has not been reported in the literature in individuals affected with TCOF1-related conditions. ClinVar contains an entry for this variant (Variation ID: 2078985). An algorithm developed to predict the effect of missense changes on protein structure and function (PolyPhen-2) suggests that this variant is likely to be disruptive. In summary, the available evidence is currently insufficient to determine the role of this variant in disease. Therefore, it has been classified as a Variant of Uncertain Significance.

Ambry Genetics
Classification: Uncertain significance for Inborn genetic diseases. Last evaluated: 2024-12-13. Review status: criteria provided, single submitter. Criteria: Ambry Variant Classification Scheme 2023. Collection method: clinical testing. Allele origin: germline.

NM_001371623.1(TCOF1):c.4120G>T (p.Gly1374Trp)

Gene: TCOF1 (treacle ribosome biogenesis factor 1; plus strand). Cytogenetic location: 5q32.
Variant type: single nucleotide variant.
Coding change: c.4120G>T on transcript NM_001371623.1 (MANE Select); coding-DNA position 4120, G replaced by T.
Protein change: p.Gly1374Trp; replaces glycine 1374 with tryptophan.
Molecular consequence: missense variant.
Genome position (GRCh38, 1-based): chr5:150,396,617, G>T. VCF-style: chr5-150396617-G-T. GRCh37 (hg19) VCF-style: chr5-149776180-G-T.
Other names: c.3886G>T, p.Gly1296Trp (NM_000356.4); c.4117G>T, p.Gly1373Trp (NM_001135243.2); c.4006G>T, p.Gly1336Trp (NM_001135244.2); c.3889G>T, p.Gly1297Trp (NM_001135245.2); c.4003G>T, p.Gly1335Trp (NM_001195141.2); c.4117G>T (NM_001135243.1); short protein forms G1335W, G1336W, G1373W, G1374W, G1296W, G1297W.
Identifiers: ClinVar variation 2078985 (VCV002078985.5), dbSNP rs750642253, ClinGen allele CA361742863.
Genomic context (GRCh38, chr5:150,396,617, plus strand): 5'-CAGCCAGCTGCCAGGACCCCCAGGAGCAAGAAGAAGAAGAAGCTGGGGGCCGGGGAAGGT[G>T]GGGAGGCCTCTGTTTCCCCAGAAAAGACCTCCACGACTTCCAAGGGGAAAGCAAAGAGAG-3'
Protein context (NP_001358552.1, residues 1364-1384): KKKKLGAGEG[Gly1374Trp]EASVSPEKTS